The following is an entry in ClinVar:

NM_144997.7(FLCN):c.674C>G (p.Ala225Gly)

Gene: FLCN (folliculin; minus strand). Cytogenetic location: 17p11.2.
Variant type: single nucleotide variant.
Coding change: c.674C>G on transcript NM_144997.7 (MANE Select); coding-DNA position 674, C replaced by G.
Protein change: p.Ala225Gly; replaces alanine 225 with glycine.
Molecular consequence: missense variant.
Genome position (GRCh38, 1-based): chr17:17,222,606, G>C on the plus strand (C>G on the coding strand, the complement: FLCN is on the minus strand). VCF-style: chr17-17222606-G-C. GRCh37 (hg19) VCF-style: chr17-17125920-G-C.
Other names: c.728C>G, p.Ala243Gly (NM_001353229.2); c.674C>G, p.Ala225Gly (NM_001353230.2, NM_001353231.2, NM_144606.7); short protein forms A225G, A243G.
Identifiers: ClinVar variation 1755225 (VCV001755225.7), dbSNP rs2144950836, ClinGen allele CA398534031.

ClinVar aggregate classification (germline): Uncertain significance. Review status: criteria provided, multiple submitters, no conflicts (2 of 4 stars). 2 submissions from 2 submitters: Uncertain significance (2). Last evaluated 2023-05-19.

Conditions:
Hereditary cancer-predisposing syndrome. Also called: Neoplastic Syndromes, Hereditary; Tumor predisposition; Hereditary neoplastic syndrome; Hereditary Cancer Syndrome. Identifiers: Orphanet 140162, MedGen C0027672, MeSH D009386, MONDO:0015356.
Birt-Hogg-Dube syndrome. Also called: Birt Hogg Dubé syndrome. Identifiers: Orphanet 122, MedGen C0346010, MONDO:0800444.

gnomAD v4.1: 1 of 1,614,210 alleles (0.000062%); highest among the groups gnomAD compares: Non-Finnish European, 0.000085%; no homozygotes.

Submissions (2):

Labcorp Genetics (formerly Invitae), Labcorp
Classification: Uncertain significance for Birt-Hogg-Dube syndrome. Last evaluated: 2023-05-19. Review status: criteria provided, single submitter. Criteria: Invitae Variant Classification Sherloc (09022015). Collection method: clinical testing. Allele origin: germline.
Comment: This variant has not been reported in the literature in individuals affected with FLCN-related conditions. This sequence change replaces alanine, which is neutral and non-polar, with glycine, which is neutral and non-polar, at codon 225 of the FLCN protein (p.Ala225Gly). This variant is not present in population databases (gnomAD no frequency). ClinVar contains an entry for this variant (Variation ID: 1755225). Advanced modeling of protein sequence and biophysical properties (such as structural, functional, and spatial information, amino acid conservation, physicochemical variation, residue mobility, and thermodynamic stability) performed at Invitae indicates that this missense variant is not expected to disrupt FLCN protein function. In summary, the available evidence is currently insufficient to determine the role of this variant in disease. Therefore, it has been classified as a Variant of Uncertain Significance.

Ambry Genetics
Classification: Uncertain significance for Hereditary cancer-predisposing syndrome. Last evaluated: 2021-03-10. Review status: criteria provided, single submitter. Criteria: Ambry Variant Classification Scheme 2023. Collection method: clinical testing. Allele origin: germline.
Comment: The p.A225G variant (also known as c.674C>G), located in coding exon 4 of the FLCN gene, results from a C to G substitution at nucleotide position 674. The alanine at codon 225 is replaced by glycine, an amino acid with similar properties. This amino acid position is well conserved in available vertebrate species. In addition, the in silico prediction for this alteration is inconclusive. Since supporting evidence is limited at this time, the clinical significance of this alteration remains unclear.